The following is an entry in ClinVar:

ClinVar aggregate classification (germline): Uncertain significance (1 of 4 stars; one submission).

Allele frequency attached by ClinVar (database versions not stated): gnomAD exomes below 0.00001; ExAC 0.00001; gnomAD 0.00001; TOPMed 0.00001.
gnomAD v4.1: 3 of 1,602,644 alleles (0.00019%); highest among the groups gnomAD compares: African/African-American, 0.0027%; no homozygotes.

Submission:

Labcorp Genetics (formerly Invitae), Labcorp
Classification: Uncertain significance. Last evaluated: 2022-06-14. Review status: criteria provided, single submitter. Criteria: Invitae Variant Classification Sherloc (09022015). Collection method: clinical testing. Allele origin: germline.
Comment: In summary, the available evidence is currently insufficient to determine the role of this variant in disease. Therefore, it has been classified as a Variant of Uncertain Significance. Algorithms developed to predict the effect of missense changes on protein structure and function output the following: SIFT: "Tolerated"; PolyPhen-2: "Benign"; Align-GVGD: "Class C0". The tyrosine amino acid residue is found in multiple mammalian species, which suggests that this missense change does not adversely affect protein function. This variant has not been reported in the literature in individuals affected with GPAA1-related conditions. This variant is present in population databases (rs781815658, gnomAD 0.01%). This sequence change replaces histidine, which is basic and polar, with tyrosine, which is neutral and polar, at codon 80 of the GPAA1 protein (p.His80Tyr).

NM_003801.4(GPAA1):c.238C>T (p.His80Tyr)

Gene: GPAA1 (glycosylphosphatidylinositol anchor attachment 1; plus strand). Cytogenetic location: 8q24.3.
Variant type: single nucleotide variant.
Coding change: c.238C>T on transcript NM_003801.4 (MANE Select); coding-DNA position 238, C replaced by T.
Protein change: p.His80Tyr; replaces histidine 80 with tyrosine.
Molecular consequence: missense variant.
Genome position (GRCh38, 1-based): chr8:144,083,287, C>T. VCF-style: chr8-144083287-C-T. GRCh37 (hg19) VCF-style: chr8-145138190-C-T.
Other names: short protein forms H80Y.
Identifiers: ClinVar variation 2006584 (VCV002006584.4), dbSNP rs781815658, ClinGen allele CA4932740.